The following is an entry in ClinVar:

ClinVar aggregate classification (germline): Benign/Likely benign. Review status: criteria provided, multiple submitters, no conflicts (2 of 4 stars). 5 submissions from 5 submitters: Benign (2); Likely benign (3). Last evaluated 2026-04-17.

Conditions:
DICER1-related tumor predisposition. Also called: DICER1-related pleuropulmonary blastoma cancer predisposition syndrome; DICER1 syndrome. Identifiers: Orphanet 284343, MedGen C3839822, MONDO:0100216.
Hereditary cancer-predisposing syndrome. Also called: Hereditary neoplastic syndrome; Neoplastic Syndromes, Hereditary; Hereditary Cancer Syndrome; Tumor predisposition. Identifiers: Orphanet 140162, MedGen C0027672, MeSH D009386, MONDO:0015356.

Allele frequency attached by ClinVar (database versions not stated): gnomAD 0.00002 and 0.00001; TOPMed 0.00002; gnomAD exomes 0.00006 and 0.00003; ExAC 0.00010.
gnomAD v4.1: 47 of 1,610,504 alleles (0.0029%); highest among the groups gnomAD compares: South Asian, 0.031%; no homozygotes.

Submissions (5):

Myriad Genetics, Inc.
Classification: Benign for DICER1-related tumor predisposition. Last evaluated: 2026-04-17. Review status: criteria provided, single submitter. Criteria: Myriad Autosomal Dominant, Autosomal Recessive and X-Linked Classification Criteria (2023). Collection method: clinical testing. Allele origin: unknown.
Comment: This variant is considered benign. This variant is a silent/synonymous amino acid change and it is not expected to impact splicing.

Labcorp Genetics (formerly Invitae), Labcorp
Classification: Benign for DICER1-related tumor predisposition. Last evaluated: 2026-02-02. Review status: criteria provided, single submitter. Criteria: Invitae Variant Classification Sherloc (09022015). Collection method: clinical testing. Allele origin: germline.

Quest Diagnostics Nichols Institute San Juan Capistrano
Classification: Likely benign. Last evaluated: 2023-06-05. Review status: criteria provided, single submitter. Criteria: Quest Diagnostics criteria. Collection method: clinical testing. Allele origin: unknown.

Sema4
Classification: Likely benign for Hereditary cancer-predisposing syndrome. Last evaluated: 2021-02-18. Review status: criteria provided, single submitter. Criteria: Sema4 Curation Guidelines. Collection method: curation. Allele origin: germline.

Ambry Genetics
Classification: Likely benign for Hereditary cancer-predisposing syndrome. Last evaluated: 2018-11-16. Review status: criteria provided, single submitter. Criteria: Ambry Variant Classification Scheme 2023. Collection method: clinical testing. Allele origin: germline.

NM_177438.3(DICER1):c.4227G>A (p.Ala1409=)

Gene: DICER1 (dicer 1, ribonuclease III; minus strand). Cytogenetic location: 14q32.13.
Variant type: single nucleotide variant.
Coding change: c.4227G>A on transcript NM_177438.3 (MANE Select); coding-DNA position 4227, G replaced by A.
Protein change: p.Ala1409=; no amino-acid change (alanine 1409 retained).
Molecular consequence: synonymous variant.
Genome position (GRCh38, 1-based): chr14:95,096,693, C>T on the plus strand (G>A on the coding strand, the complement: DICER1 is on the minus strand). VCF-style: chr14-95096693-C-T. GRCh37 (hg19) VCF-style: chr14-95563030-C-T.
Other names: c.4227G>A, p.Ala1409= (NM_001195573.1, NM_001271282.3, NM_001291628.2 and 1 more transcripts).
Identifiers: ClinVar variation 242106 (VCV000242106.19), dbSNP rs766248937, ClinGen allele CA7330872.